The following is an entry in ClinVar:

ClinVar aggregate classification (germline): Uncertain significance (1 of 4 stars; one submission).

Conditions:
Hereditary cancer-predisposing syndrome. Also called: Tumor predisposition; Neoplastic Syndromes, Hereditary; Hereditary neoplastic syndrome; Hereditary Cancer Syndrome. Identifiers: Orphanet 140162, MedGen C0027672, MeSH D009386, MONDO:0015356.

Submission:

Ambry Genetics
Classification: Uncertain significance for Hereditary cancer-predisposing syndrome. Last evaluated: 2025-08-27. Review status: criteria provided, single submitter. Criteria: Ambry Variant Classification Scheme 2023. Collection method: clinical testing. Allele origin: germline.
Comment: The p.F532I variant (also known as c.1594T>A), located in coding exon 16 of the MUTYH gene, results from a T to A substitution at nucleotide position 1594. The phenylalanine at codon 532 is replaced by isoleucine, an amino acid with highly similar properties. This amino acid position is conserved. In addition, this alteration is predicted to be tolerated by in silico analysis. Based on the available evidence, the clinical significance of this variant remains unclear.

NM_001048174.2(MUTYH):c.1510T>A (p.Phe504Ile)

Gene: MUTYH (mutY DNA glycosylase; minus strand). Cytogenetic location: 1p34.1.
Variant type: single nucleotide variant.
Coding change: c.1510T>A on transcript NM_001048174.2 (MANE Select); coding-DNA position 1510, T replaced by A.
Protein change: p.Phe504Ile; replaces phenylalanine 504 with isoleucine.
Molecular consequence: missense variant. On other transcripts: non-coding transcript variant (7).
Genome position (GRCh38, 1-based): chr1:45,329,362, A>T on the plus strand (T>A on the coding strand, the complement: MUTYH is on the minus strand). VCF-style: chr1-45329362-A-T. GRCh37 (hg19) VCF-style: chr1-45795034-A-T.
Other names: c.1468T>A, p.Phe490Ile (NM_001407080.1); c.1510T>A, p.Phe504Ile (NM_001407081.1, NM_001407088.1, NM_001048171.2 and 6 more transcripts); c.1165T>A, p.Phe389Ile (NM_001407082.1, NM_001350650.2, NM_001350651.2); c.1552T>A, p.Phe518Ile (NM_001407083.1, NM_001407085.1); c.1513T>A, p.Phe505Ile (NM_001407086.1, NM_001048172.2, NM_001407071.1 and 1 more transcripts); c.1531T>A, p.Phe511Ile (NM_001407087.1); c.1594T>A, p.Phe532Ile (NM_001128425.2); c.1555T>A, p.Phe519Ile (NM_001293190.2); and 5 more; short protein forms F412I, F490I, F491I, F504I, F505I, F519I, F389I, F476I.
Identifiers: ClinVar variation 4113414 (VCV004113414.1).
Genomic context (GRCh38, chr1:45,329,362, plus strand): 5'-GGTGTCACTGGGCTGCACTGTTGAGGCTGTGTGCATCAGTGGAGATGTGAGACCGAAAGA[A>T]ATTATCCAGGACTTGCTGGCCCATGCGGGGCTTTTTCCGACTGCACGGAGAGGACACCTG-3'
Protein context (NP_001041639.1, residues 494-514): PRMGQQVLDN[Phe504Ile]FRSHISTDAH